The following is an entry in ClinVar:

NM_177438.3(DICER1):c.2301del (p.Cys768fs)

Gene: DICER1 (dicer 1, ribonuclease III; minus strand). Cytogenetic location: 14q32.13.
Variant type: Deletion.
Coding change: c.2301del on transcript NM_177438.3 (MANE Select); coding-DNA position 2301, one base deleted (C; older notation c.2301delC).
Protein change: p.Cys768fs; shifts the reading frame from cysteine 768.
Molecular consequence: frameshift variant. On other transcripts: non-coding transcript variant (6).
Genome position (GRCh38, 1-based): chr14:95,108,459, G deleted on the plus strand (C on the coding strand, the reverse complement: DICER1 is on the minus strand); the first of 3 consecutive G bases (chr14:95,108,459-95,108,461); deleting any one gives the same sequence. VCF-style (leftmost placement, unchanged base first): chr14-95108458-AG-A. GRCh37 (hg19) VCF-style: chr14-95574795-AG-A.
Other names: c.2301del, p.Cys768fs (NM_001395693.1, NM_001395694.1, NM_001395695.1 and 12 more transcripts); c.1896del, p.Cys633fs (NM_001395696.1, NM_001395687.1, NM_001395688.1 and 2 more transcripts); c.618del, p.Cys207fs (NM_001395697.1); c.2301delC (NM_177438.2); c.2019del, p.Cys674fs (NM_001395686.1); c.1734del, p.Cys579fs (NM_001395691.1); short protein forms C207fs, C579fs, C674fs, C768fs, C633fs.
Identifiers: ClinVar variation 4240497 (VCV004240497.1).

ClinVar aggregate classification (germline): Pathogenic (1 of 4 stars; one submission).

Conditions:
Hereditary cancer-predisposing syndrome. Also called: Hereditary Cancer Syndrome; Hereditary neoplastic syndrome; Neoplastic Syndromes, Hereditary; Tumor predisposition. Identifiers: Orphanet 140162, MedGen C0027672, MeSH D009386, MONDO:0015356.

Submission:

Ambry Genetics
Classification: Pathogenic for Hereditary cancer-predisposing syndrome. Last evaluated: 2025-07-22. Review status: criteria provided, single submitter. Criteria: Ambry Variant Classification Scheme 2023. Collection method: clinical testing. Allele origin: germline.
Comment: The c.2301delC pathogenic mutation, located in coding exon 14 of the DICER1 gene, results from a deletion of one nucleotide at nucleotide position 2301, causing a translational frameshift with a predicted alternate stop codon (p.C768Vfs*5). This variant is considered to be rare based on population cohorts in the Genome Aggregation Database (gnomAD). This alteration is expected to result in loss of function by premature protein truncation or nonsense-mediated mRNA decay. As such, this alteration is interpreted as a disease-causing mutation.